The following is an entry in ClinVar:

ClinVar aggregate classification (germline): Uncertain significance (1 of 4 stars; one submission).

Submission:

Labcorp Genetics (formerly Invitae), Labcorp
Classification: Uncertain significance. Last evaluated: 2023-08-17. Review status: criteria provided, single submitter. Criteria: Invitae Variant Classification Sherloc (09022015). Collection method: clinical testing. Allele origin: germline.
Comment: This variant, c.10505_10513del, results in the deletion of 3 amino acid(s) of the RNF213 protein (p.Val3502_Glu3504del), but otherwise preserves the integrity of the reading frame. This variant is present in population databases (rs746722534, gnomAD 0.02%). This variant has not been reported in the literature in individuals affected with RNF213-related conditions. Experimental studies and prediction algorithms are not available or were not evaluated, and the functional significance of this variant is currently unknown. In summary, the available evidence is currently insufficient to determine the role of this variant in disease. Therefore, it has been classified as a Variant of Uncertain Significance.

NM_001256071.3(RNF213):c.10496TGGCAGAGG[1] (p.3499VAE[1])

Genes: RNF213 (ring finger protein 213; plus strand), RNF213-AS1 (RNF213 antisense RNA 1; minus strand). Cytogenetic location: 17q25.3.
Variant type: Microsatellite.
Coding change: c.10496TGGCAGAGG[1] on transcript NM_001256071.3 (MANE Select); one copy of the 9-base unit TGGCAGAGG starting at c.10496; the reference has two copies in a row; one copy, 9 bases deleted.
Protein change: p.3499VAE[1].
Molecular consequence: inframe deletion. On other transcripts: non-coding transcript variant (1).
Genome position (GRCh38, 1-based): chr17:80,353,593-80,353,601, TGGCAGAGG deleted; deleting any 9 consecutive bases within chr17:80,353,580-80,353,601 gives the same sequence; the position shown is the placement nearest the transcript's 3' end. VCF-style (leftmost placement, unchanged base first): chr17-80353579-GGAGGTGGCA-G. GRCh37 (hg19) VCF-style: chr17-78327379-GGAGGTGGCA-G.
Other names: c.10643TGGCAGAGG[1], p.3548VAE[1] (NM_001410195.1, NM_020914.5).
Identifiers: ClinVar variation 2899384 (VCV002899384.3), dbSNP rs746722534, ClinGen allele CA8821464.